The following is an entry in ClinVar:

NC_000002.11:g.(?_85778214)_(85779781_?)del

Gene: GGCX (gamma-glutamyl carboxylase; minus strand). Cytogenetic location: 2p11.2.
Variant type: Deletion.
Identifiers: ClinVar variation 3247471 (VCV003247471.1).

ClinVar aggregate classification (germline): Pathogenic (1 of 4 stars; one submission).

Submission:

Labcorp Genetics (formerly Invitae), Labcorp
Classification: Pathogenic. Last evaluated: 2023-04-24. Review status: criteria provided, single submitter. Criteria: Invitae Variant Classification Sherloc (09022015). Collection method: clinical testing. Allele origin: unknown.
Comment: This variant is a gross deletion of the genomic region encompassing exon(s) 10-12 of the GGCX gene. This variant would be expected to be in-frame, preserving the integrity of the reading frame. This variant has not been reported in the literature in individuals affected with GGCX-related conditions. For these reasons, this variant has been classified as Pathogenic. This variant disrupts a region of the GGCX protein in which other variant(s) (p.Arg485Pro) have been determined to be pathogenic (PMID: 15287948, 16905958, 25151188, 27394683). This suggests that this is a clinically significant region of the protein, and that variants that disrupt it are likely to be disease-causing.

Literature cited by the submitters: PubMed 15287948; PubMed 16905958; PubMed 25151188; PubMed 27394683.